The following is an entry in ClinVar:

ClinVar aggregate classification (germline): Uncertain significance (1 of 4 stars; one submission).

gnomAD v4.1: 1 of 1,573,726 alleles (0.000064%); highest among the groups gnomAD compares: Non-Finnish European, 0.000086%; no homozygotes.

Submission:

Labcorp Genetics (formerly Invitae), Labcorp
Classification: Uncertain significance. Last evaluated: 2025-05-23. Review status: criteria provided, single submitter. Criteria: Invitae Variant Classification Sherloc (09022015). Collection method: clinical testing. Allele origin: germline.
Comment: This sequence change replaces proline, which is neutral and non-polar, with alanine, which is neutral and non-polar, at codon 1965 of the BSN protein (p.Pro1965Ala). This variant is not present in population databases (gnomAD no frequency). This variant has not been reported in the literature in individuals affected with BSN-related conditions. Experimental studies and prediction algorithms are not available or were not evaluated, and the functional significance of this variant is currently unknown. In summary, the available evidence is currently insufficient to determine the role of this variant in disease. Therefore, it has been classified as a Variant of Uncertain Significance.

NM_003458.4(BSN):c.5893C>G (p.Pro1965Ala)

Gene: BSN (bassoon presynaptic cytomatrix protein; plus strand). Cytogenetic location: 3p21.31.
Variant type: single nucleotide variant.
Coding change: c.5893C>G on transcript NM_003458.4 (MANE Select); coding-DNA position 5893, C replaced by G.
Protein change: p.Pro1965Ala; replaces proline 1965 with alanine.
Molecular consequence: missense variant.
Genome position (GRCh38, 1-based): chr3:49,655,449, C>G. VCF-style: chr3-49655449-C-G. GRCh37 (hg19) VCF-style: chr3-49692882-C-G.
Other names: short protein forms P1965A.
Identifiers: ClinVar variation 4711595 (VCV004711595.1).